The following is an entry in ClinVar:

NM_002386.4(MC1R):c.707G>A (p.Gly236Asp)

Gene: MC1R (melanocortin 1 receptor; plus strand). Cytogenetic location: 16q24.3.
Variant type: single nucleotide variant.
Coding change: c.707G>A on transcript NM_002386.4 (MANE Select); coding-DNA position 707, G replaced by A.
Protein change: p.Gly236Asp; replaces glycine 236 with aspartic acid.
Molecular consequence: missense variant.
Genome position (GRCh38, 1-based): chr16:89,919,965, G>A. VCF-style: chr16-89919965-G-A. GRCh37 (hg19) VCF-style: chr16-89986373-G-A.
Other names: short protein forms G236D.
Identifiers: ClinVar variation 887987 (VCV000887987.4), dbSNP rs1264795610, ClinGen allele CA397462863.
Genomic context (GRCh38, chr16:89,919,965, plus strand): 5'-AGCACGCCCAGGGCATCGCCCGGCTCCACAAGAGGCAGCGCCCGGTCCACCAGGGCTTTG[G>A]CCTTAAAGGCGCTGTCACCCTCACCATCCTGCTGGGCATTTTCTTCCTCTGCTGGGGCCC-3'
Protein context (NP_002377.4, residues 226-246): KRQRPVHQGF[Gly236Asp]LKGAVTLTIL

ClinVar aggregate classification (germline): Uncertain significance (1 of 4 stars; one submission).

Conditions:
Melanoma, cutaneous malignant, susceptibility to, 5. Also called: Cutaneous malignant melanoma 5. Identifiers: Orphanet 618, MedGen C2751295, MONDO:0013133, OMIM 613099.

Allele frequency attached by ClinVar (database versions not stated): gnomAD 0.00001; TOPMed 0.00001; gnomAD exomes 0.00002.

Submission:

Illumina Laboratory Services, Illumina
Classification: Uncertain significance for Melanoma, cutaneous malignant, susceptibility to, 5. Last evaluated: 2018-01-16. Review status: criteria provided, single submitter. Criteria: ICSL Variant Classification Criteria 13 December 2019. Collection method: clinical testing. Allele origin: germline.
Comment: This variant was observed as part of a predisposition screen in an ostensibly healthy population. A literature search was performed for the gene, cDNA change, and amino acid change (where applicable). Publications were found based on this search. However, the evidence from the literature, in combination with allele frequency data from public databases where available, was not sufficient to rule this variant in or out of causing disease. Therefore, this variant is classified as a variant of unknown significance.

Literature cited by the submitters: PubMed 24982914.